The following is an entry in ClinVar:

NM_014000.3(VCL):c.1961A>C (p.Asn654Thr)

Gene: VCL (vinculin; plus strand). Cytogenetic location: 10q22.2.
Variant type: single nucleotide variant.
Coding change: c.1961A>C on transcript NM_014000.3 (MANE Select); coding-DNA position 1961, A replaced by C.
Protein change: p.Asn654Thr; replaces asparagine 654 with threonine.
Molecular consequence: missense variant.
Genome position (GRCh38, 1-based): chr10:74,101,036, A>C. VCF-style: chr10-74101036-A-C. GRCh37 (hg19) VCF-style: chr10-75860794-A-C.
Other names: c.1961A>C, p.Asn654Thr (NM_003373.4); short protein forms N654T.
Identifiers: ClinVar variation 1065185 (VCV001065185.7), dbSNP rs1591709946, ClinGen allele CA377260710.

ClinVar aggregate classification (germline): Uncertain significance. Review status: criteria provided, single submitter (1 of 4 stars). 4 submissions from 4 submitters: Uncertain significance (1). 3 of the submissions do not count toward it. Last evaluated 2021-02-26.

Conditions:
Primary dilated cardiomyopathy (DCM). Also called: Dilated Cardiomyopathy. Identifiers: Orphanet 217604, MedGen C0007193, MeSH D002311, MONDO:0005021, HP:0001644. Inheritance: Various modes of inheritance.

Allele frequency attached by ClinVar (database versions not stated): gnomAD exomes below 0.00001; gnomAD 0.00001.
gnomAD v4.1: 6 of 1,613,902 alleles (0.00037%); highest among the groups gnomAD compares: Non-Finnish European, 0.00051%; no homozygotes.

Submissions (4):

Loeys Lab, Universiteit Antwerpen
Classification: Uncertain significance for Primary dilated cardiomyopathy. Last evaluated: 2021-02-26. Review status: criteria provided, single submitter. Criteria: ACMG Guidelines, 2015. Collection method: clinical testing. Allele origin: somatic. Affected: yes. Observed: 7 variant alleles, 7 heterozygotes.
Comment: This sequence change results in a missense variant of the VCL gene (p.(Asn654Thr)). The variant is absent in population databases such as gnomAD (PM2). The variant has not been described before. Functional studies have not been performed. The variant affects a highly conserved nucleotide and a highly conserved amino acid. Prediction programs show conflicting results (Align GVGD: C0; Polyphen-2 HumDiv: probably damaging , Polyphen-2 HumVar: probably damaging, SIFT : deleterious, Mutation taster: disease causing). This variant was identified in a 5 unrelated patients. Three patients had DCM and two presented with HCM. In one family the variant co-segregated with the DCM-phenotype in 2 patients. No data on segregation were available for the other families (PP1weak). In conclusion this variant was classified as a variant of unknown significance according to ACMG-guidelines (PM2, PP1weak).

Clinical Genetics DNA and cytogenetics Diagnostics Lab, Erasmus MC, Erasmus Medical Center
Classification: Uncertain significance. Review status: no assertion criteria provided. Collection method: clinical testing. Allele origin: germline. Affected: yes. Study: VKGL Data-share Consensus. Not counted in ClinVar's aggregate classification.

Clinical Genetics, Academic Medical Center
Classification: Uncertain significance. Review status: no assertion criteria provided. Collection method: clinical testing. Allele origin: germline. Affected: yes. Study: VKGL Data-share Consensus. Not counted in ClinVar's aggregate classification.

Joint Genome Diagnostic Labs from Nijmegen and Maastricht, Radboudumc and MUMC+
Classification: Uncertain significance. Review status: no assertion criteria provided. Collection method: clinical testing. Allele origin: germline. Affected: yes. Study: VKGL Data-share Consensus. Not counted in ClinVar's aggregate classification.